The following is an entry in ClinVar:

NM_006303.4(AIMP2):c.865G>A (p.Gly289Arg)

Genes: AIMP2 (aminoacyl tRNA synthetase complex interacting multifunctional protein 2; plus strand), EIF2AK1 (eukaryotic translation initiation factor 2 alpha kinase 1; minus strand). Cytogenetic location: 7p22.1.
Variant type: single nucleotide variant.
Coding change: c.865G>A on transcript NM_006303.4 (MANE Select); coding-DNA position 865, G replaced by A.
Protein change: p.Gly289Arg; replaces glycine 289 with arginine.
Molecular consequence: missense variant. On other transcripts: 3 prime UTR variant (2).
Genome position (GRCh38, 1-based): chr7:6,023,593, G>A. VCF-style: chr7-6023593-G-A. GRCh37 (hg19) VCF-style: chr7-6063224-G-A.
Other names: c.*1080C>T (NM_001134335.2, NM_014413.4); c.745G>A, p.Gly249Arg (NM_001326606.2); c.658G>A, p.Gly220Arg (NM_001326607.2); c.631G>A, p.Gly211Arg (NM_001326609.2, NM_001326610.2, NM_001326611.3); c.778G>A, p.Gly260Arg (NM_001362785.2); c.733G>A, p.Gly245Arg (NM_001362787.2); short protein forms G289R, G220R, G249R, G211R, G245R, G260R.
Identifiers: ClinVar variation 2392457 (VCV002392457.2), dbSNP rs745445513, ClinGen allele CA4150503.

ClinVar aggregate classification (germline): Uncertain significance (1 of 4 stars; one submission).

Conditions:
Inborn genetic diseases. Identifiers: MedGen C0950123, MeSH D030342.

Allele frequency attached by ClinVar (database versions not stated): TOPMed 0.00003; gnomAD 0.00004; ExAC 0.00007.
gnomAD v4.1: 79 of 1,614,070 alleles (0.0049%); highest among the groups gnomAD compares: South Asian, 0.036%; no homozygotes.

Submission:

Ambry Genetics
Classification: Uncertain significance for Inborn genetic diseases. Last evaluated: 2021-03-02. Review status: criteria provided, single submitter. Criteria: Ambry Variant Classification Scheme 2023. Collection method: clinical testing. Allele origin: germline.
Comment: The c.865G>A (p.G289R) alteration is located in exon 4 (coding exon 4) of the AIMP2 gene. This alteration results from a G to A substitution at nucleotide position 865, causing the glycine (G) at amino acid position 289 to be replaced by an arginine (R). The p.G289R alteration is predicted to be tolerated by in silico analysis. Based on insufficient or conflicting evidence, the clinical significance of this alteration remains unclear.